The following continues an entry in ClinVar:

NM_000142.5(FGFR3):c.746C>G (p.Ser249Cys)

Gene: FGFR3. ClinVar aggregate classification (germline): Pathogenic. Pathogenic (19). ClinVar aggregate classification (oncogenicity): Oncogenic.

Submissions 9 to 26 of 31:

Neuberg Centre For Genomic Medicine, NCGM
Classification: Pathogenic for Thanatophoric dysplasia type 1. Last evaluated: 2023-07-22. Review status: criteria provided, single submitter. Criteria: ACMG Guidelines, 2015. Collection method: clinical testing. Allele origin: germline. Inheritance: Autosomal dominant inheritance. Affected: yes.
Comment: The observed missense c.746C>G p.Ser249Cys variant in FGFR3 gene has been reported in multiple individuals affected with thanatophoric dysplasia Tavormina et al., 1995; De Biasio et al., 2000; Xue et al., 2014. Experimental studies have shown that this missense change affects FGFR3 function Tomlinson et al., 2007; di Martino et al., 2009; Del Piccolo et al., 2015. This variant is present with allele frequency of 0.00% in gnomAD Exomes. This variant has been submitted to the ClinVar database as Likely Pathogenic/ Pathogenic multiple submissions. Multiple lines of computational evidence Polyphen - Probably Damaging, SIFT - Damaging and MutationTaster - Disease causing predict a damaging effect on protein structure and function for this variant. The reference amino acid of p.Ser249Cys in FGFR3 is predicted as conserved by GERP++ and PhyloP across 100 vertebrates. The amino acid Ser at position 249 is changed to a Cys changing protein sequence and it might alter its composition and physico-chemical properties. For these reasons, this variant has been classified as Pathogenic.

3billion
Classification: Pathogenic for Thanatophoric dysplasia type 1. Last evaluated: 2023-02-23. Review status: criteria provided, single submitter. Criteria: ACMG Guidelines, 2015. Collection method: clinical testing. Allele origin: unknown. Affected: yes.
Comment: The variant is not observed in the gnomAD v2.1.1 dataset. Missense changes are a common disease-causing mechanism. In silico tool predictions suggest damaging effect of the variant on gene or gene product (REVEL: 0.90; 3Cnet: 0.97). Same nucleotide change resulting in same amino acid change has been previously reported as pathogenic/likely pathogenic with strong evidence (ClinVar ID: VCV000016339). The variant has been observed in multiple (>3) similarly affected unrelated individuals (PMID: 25614871). Therefore, this variant is classified as Pathogenic according to the recommendation of ACMG/AMP guideline.

Genome Diagnostics Laboratory, The Hospital for Sick Children
Classification: Pathogenic for Connective tissue disorder. Last evaluated: 2022-06-06. Review status: criteria provided, single submitter. Criteria: ACMG Guidelines, 2015. Collection method: clinical testing. Allele origin: germline.

Blueprint Genetics
Classification: Pathogenic for FGFR3-related disorders. Last evaluated: 2022-01-12. Review status: criteria provided, single submitter. Criteria: ACMG Guidelines, 2015. Collection method: clinical testing. Allele origin: germline. Affected: yes. Observed: 3 variant alleles.

Revvity Omics, Revvity
Classification: Pathogenic. Last evaluated: 2021-08-31. Review status: criteria provided, single submitter. Criteria: ACMG Guidelines, 2015. Collection method: clinical testing. Allele origin: germline.

GeneDx
Classification: Pathogenic. Last evaluated: 2021-01-05. Review status: criteria provided, single submitter. Criteria: GeneDx Variant Classification Process June 2021. Collection method: clinical testing. Allele origin: germline. Affected: yes.
Comment: Published functional studies indicate that S249C results in stable dimerization of the mutant protein and constitutive phosphorylation of the receptor (Tomlinson et al., 2007). Furthermore, activation of FGFR3 was shown to be associated with an increase in FGFR3b isoform expression in S249C mutated tumors compared to normal tissue (Rosty et al., 2005).; In silico analysis, which includes protein predictors and evolutionary conservation, supports a deleterious effect; No data available from ethnically-matched control populations to assess the frequency of this variant; Reported in ClinVar as pathogenic but additional evidence is not available (ClinVar Variant ID# 16339; Landrum et al., 2016); This variant is associated with the following publications: (PMID: 22229528, 15772091, 19422094, 10471491, 22899908, 23175443, 11078763, 19381019, 25606676, 31754721, 25614871, 11038465, 8589699, 15869706, 17384684, 12461689, 11114733, 11904459, 21264819, 25928347, 27786351, 11879084, 28249712, 30692697, 19749790, 26619011, 25157968, 30952872, 8845844)

ARUP Laboratories, Molecular Genetics and Genomics, ARUP Laboratories
Classification: Pathogenic. Last evaluated: 2020-04-13. Review status: criteria provided, single submitter. Criteria: ARUP Molecular Germline Variant Investigation Process. Collection method: clinical testing. Allele origin: germline.
Comment: The FGFR3 c.746C>G; p.Ser249Cys variant (rs121913483) is one of the common FGFR3 missense variants that has been described in association with thanatophoric dysplasia type 1 (TD1; De Biasio 2000, Jung 2017, Rousseau 1996, Tavormina 1995). It is reported as pathogenic in ClinVar (Variation ID: 16339) and is absent from general population databases (1000 Genomes Project, Exome Variant Server, and Genome Aggregation Database), indicating it is not a common polymorphism. Functional studies of the variant protein demonstrate stable dimerization and constitutive activation in the absence of a ligand (Del Piccolo 2015, Tomlinson 2007). Based on available information, this variant is considered pathogenic. REFERENCES De Biasio P et al. Sonographic and molecular diagnosis of thanatophoric dysplasia type I at 18 weeks of gestation. Prenat Diagn. 2000 Oct;20(10):835-7. Del Piccolo N et al. Effect of thanatophoric dysplasia type I mutations on FGFR3 dimerization. Biophys J. 2015 Jan 20;108(2):272-8. Jung M et al. Genetically confirmed thanatophoric dysplasia with fibroblast growth factor receptor 3 mutation. Exp Mol Pathol. 2017 Apr;102(2):290-295. Rousseau F et al. Missense FGFR3 mutations create cysteine residues in thanatophoric dwarfism type I (TD1). Hum Mol Genet. 1996 Apr;5(4):509-12. Tavormina P et al. Another mutation that results in the substitution of an unpaired cysteine residue in the extracellular domain of FGFR3 in thanatophoric dysplasia type I. Hum Mol Genet. 1995 Nov;4(11):2175-7. Tomlinson D et al. Knockdown by shRNA identifies S249C mutant FGFR3 as a potential therapeutic target in bladder cancer. Oncogene. 2007 Aug 30;26(40):5889-99.

Fulgent Genetics
Classification: Pathogenic for Achondroplasia; Malignant tumor of urinary bladder; Colorectal cancer; Hypochondroplasia; LADD syndrome 1; Epidermal nevus; Thanatophoric dysplasia type 1; Thanatophoric dysplasia, type 2; Germ cell tumor of testis; Muenke syndrome; Cervical cancer; Camptodactyly-tall stature-scoliosis-hearing loss syndrome; Crouzon syndrome-acanthosis nigricans syndrome; Severe achondroplasia-developmental delay-acanthosis nigricans syndrome. Last evaluated: 2018-10-31. Review status: criteria provided, single submitter. Criteria: ACMG Guidelines, 2015. Collection method: clinical testing. Allele origin: unknown.

Clinical Genetics and Genomics, Karolinska University Hospital
Classification: Pathogenic. Last evaluated: 2018-06-07. Review status: criteria provided, single submitter. Criteria: ACMG Guidelines, 2015. Collection method: clinical testing. Allele origin: somatic. Affected: yes. Observed: 3 variant alleles.

Bioinformatics dept., Datar Cancer Genetics Limited, India
Classification: Pathogenic for Malignant tumor of urinary bladder. Last evaluated: 2017-07-24. Review status: criteria provided, single submitter. Criteria: ACMG Guidelines, 2015. Collection method: clinical testing. Allele origin: somatic. Inheritance: Somatic mutation. Affected: yes. Observed: 1 variant allele, 1 compound heterozygote.

Centre for Mendelian Genomics, University Medical Centre Ljubljana
Classification: Pathogenic for Cervical cancer. Last evaluated: 2016-01-01. Review status: criteria provided, single submitter. Criteria: ACMG Guidelines, 2015. Collection method: clinical testing. Allele origin: unknown. Affected: yes.
Comment: This variant was classified as: Pathogenic. The following ACMG criteria were applied in classifying this variant: PS1,PS3,PM2,PP5,PP4,PP3.

Juno Genomics, Hangzhou Juno Genomics, Inc
Classification: Pathogenic for Severe achondroplasia-developmental delay-acanthosis nigricans syndrome; Germ cell tumor of testis; Epidermal nevus; Thanatophoric dysplasia type 1; Thanatophoric dysplasia, type 2; Lacrimoauriculodentodigital syndrome 2; Colorectal cancer; Achondroplasia; Malignant tumor of urinary bladder; Camptodactyly-tall stature-scoliosis-hearing loss syndrome; Cervical cancer; Crouzon syndrome-acanthosis nigricans syndrome; Hypochondroplasia; Muenke syndrome. Review status: criteria provided, single submitter. Criteria: ACMG Guidelines, 2015. Collection method: clinical testing. Allele origin: germline. Affected: yes.
Comment: Absent from controls (or at extremely low frequency if recessive) in Genome Aggregation Database.;Multiple lines of computational evidence support a deleterious effect on the gene or gene product.;The prevalence of the variant in affected individuals is significantly increased compared to the prevalence in controls.;Assumed de novo, but without confirmation of paternity and maternity.

Suma Genomics
Classification: Pathogenic for Thanatophoric dysplasia type 1. Review status: criteria provided, single submitter. Criteria: ACMG Guidelines, 2015. Collection method: clinical testing. Allele origin: de novo. Inheritance: Autosomal dominant inheritance. Affected: yes.

Institute Of Reproduction And Development, Obstetrics and Gynecology Hospital, Fudan University
Classification: Pathogenic. Last evaluated: 2021-11-29. Review status: no assertion criteria provided. Collection method: research. Allele origin: germline. Affected: yes. Not counted in ClinVar's aggregate classification.

Faculté Pluridciplinaire Nador, Université Mohamed Premier
Classification: Likely pathogenic for Squamous Cell Lung Carcinoma. Last evaluated: 2020-05-05. Review status: no assertion criteria provided. Collection method: clinical testing, in vivo. Allele origin: somatic. Affected: yes. Observed: 1 variant allele. Not counted in ClinVar's aggregate classification.

Baylor Genetics
Classification: Pathogenic for thanatophoric dysplasia type 1. Last evaluated: 2018-11-18. Review status: no assertion criteria provided. Collection method: clinical testing. Allele origin: germline. Affected: yes. Not counted in ClinVar's aggregate classification.

OMIM
Classification: Pathogenic for THANATOPHORIC DYSPLASIA, TYPE I. Last evaluated: 2005-05-01. Review status: no assertion criteria provided. Collection method: literature only. Allele origin: unknown. Not counted in ClinVar's aggregate classification.

OMIM
Classification: Pathogenic for CERVICAL CANCER, SOMATIC. Last evaluated: 2005-05-01. Review status: no assertion criteria provided. Collection method: literature only. Allele origin: somatic. Not counted in ClinVar's aggregate classification.